The following is an entry in ClinVar:

NM_006618.5(KDM5B):c.1787T>C (p.Phe596Ser)

Gene: KDM5B (lysine demethylase 5B; minus strand). Cytogenetic location: 1q32.1.
Variant type: single nucleotide variant.
Coding change: c.1787T>C on transcript NM_006618.5 (MANE Select); coding-DNA position 1787, T replaced by C.
Protein change: p.Phe596Ser; replaces phenylalanine 596 with serine.
Molecular consequence: missense variant.
Genome position (GRCh38, 1-based): chr1:202,750,693, A>G on the plus strand (T>C on the coding strand, the complement: KDM5B is on the minus strand). VCF-style: chr1-202750693-A-G. GRCh37 (hg19) VCF-style: chr1-202719821-A-G.
Other names: c.1895T>C, p.Phe632Ser (NM_001314042.2); c.1652T>C, p.Phe551Ser (NM_001347591.2); c.1772T>C, p.Phe591Ser (NM_001399817.1); short protein forms F551S, F591S, F596S, F632S.
Identifiers: ClinVar variation 1710764 (VCV001710764.2), dbSNP rs1419662430, ClinGen allele CA344267767.

ClinVar aggregate classification (germline): Uncertain significance (1 of 4 stars; one submission).

Allele frequency attached by ClinVar (database versions not stated): gnomAD exomes below 0.00001.
gnomAD v4.1: 1 of 1,614,072 alleles (0.000062%); highest among the groups gnomAD compares: Non-Finnish European, 0.000085%; no homozygotes.

Submission:

GeneDx
Classification: Uncertain significance. Last evaluated: 2022-04-15. Review status: criteria provided, single submitter. Criteria: GeneDx Variant Classification Process June 2021. Collection method: clinical testing. Allele origin: germline. Affected: yes.
Comment: Not observed at significant frequency in large population cohorts (gnomAD); In silico analysis supports that this missense variant has a deleterious effect on protein structure/function; Has not been previously published as pathogenic or benign to our knowledge